The following is an entry in ClinVar:

ClinVar aggregate classification (germline): Uncertain significance (1 of 4 stars; one submission).

Submission:

GeneDx
Classification: Uncertain significance. Last evaluated: 2025-06-25. Review status: criteria provided, single submitter. Criteria: GeneDx Variant Classification Process June 2021. Collection method: clinical testing. Allele origin: germline. Affected: yes.
Comment: Not observed at significant frequency in large population cohorts (gnomAD); In silico analysis supports that this missense variant has a deleterious effect on protein structure/function; Has not been previously published as pathogenic or benign to our knowledge

NM_000069.3(CACNA1S):c.969C>G (p.Phe323Leu)

Gene: CACNA1S (calcium voltage-gated channel subunit alpha1 S; minus strand). Cytogenetic location: 1q32.1.
Variant type: single nucleotide variant.
Coding change: c.969C>G on transcript NM_000069.3 (MANE Select); coding-DNA position 969, C replaced by G.
Protein change: p.Phe323Leu; replaces phenylalanine 323 with leucine.
Molecular consequence: missense variant.
Genome position (GRCh38, 1-based): chr1:201,087,861, G>C on the plus strand (C>G on the coding strand, the complement: CACNA1S is on the minus strand). VCF-style: chr1-201087861-G-C. GRCh37 (hg19) VCF-style: chr1-201056989-G-C.
Other names: short protein forms F323L.
Identifiers: ClinVar variation 4539873 (VCV004539873.1).